The following is an entry in ClinVar:

ClinVar aggregate classification (germline): Likely benign (1 of 4 stars; one submission).

Conditions:
PIK3C2B-related disorder. Also called: PIK3C2B-related condition.

gnomAD v4.1: 1,624 of 1,614,020 alleles (0.1%); highest among the groups gnomAD compares: Admixed American, 0.13%; 5 homozygotes.

Submission:

PreventionGenetics, part of Exact Sciences
Classification: Likely benign for PIK3C2B-related condition. Last evaluated: 2026-01-05. Review status: criteria provided, single submitter. Criteria: ACMG Guidelines, 2015. Collection method: clinical testing. Allele origin: germline.
Comment: This variant is classified as likely benign based on ACMG/AMP sequence variant interpretation guidelines (Richards et al. 2015 PMID: 25741868, with internal and published modifications).

NM_001377334.1(PIK3C2B):c.1373G>A (p.Arg458Gln)

Gene: PIK3C2B (phosphatidylinositol-4-phosphate 3-kinase catalytic subunit type 2 beta; minus strand). Cytogenetic location: 1q32.1.
Variant type: single nucleotide variant.
Coding change: c.1373G>A on transcript NM_001377334.1 (MANE Select); coding-DNA position 1373, G replaced by A.
Protein change: p.Arg458Gln; replaces arginine 458 with glutamine.
Molecular consequence: missense variant.
Genome position (GRCh38, 1-based): chr1:204,460,599, C>T on the plus strand (G>A on the coding strand, the complement: PIK3C2B is on the minus strand). VCF-style: chr1-204460599-C-T. GRCh37 (hg19) VCF-style: chr1-204429727-C-T.
Other names: c.1373G>A, p.Arg458Gln (NM_001377335.1, NM_002646.4); short protein forms R458Q.
Identifiers: ClinVar variation 4979715 (VCV004979715.1).